The following is an entry in ClinVar:

ClinVar aggregate classification (germline): Uncertain significance (0 of 4 stars; one submission).

Conditions:
CEL-related disorder. Also called: CEL-related condition.

Submission:

PreventionGenetics, part of Exact Sciences
Classification: Uncertain significance for CEL-related condition. Last evaluated: 2024-03-19. Review status: no assertion criteria provided. Collection method: clinical testing. Allele origin: germline.
Comment: The CEL c.1063A>G variant is predicted to result in the amino acid substitution p.Ile355Val. To our knowledge, this variant has not been reported in the literature. This variant is reported in 0.0080% of alleles in individuals of East Asian descent in gnomAD. At this time, the clinical significance of this variant is uncertain due to the absence of conclusive functional and genetic evidence.

NM_001807.6(CEL):c.1054A>G (p.Ile352Val)

Gene: CEL (carboxyl ester lipase; plus strand). Cytogenetic location: 9q34.13.
Variant type: single nucleotide variant.
Coding change: c.1054A>G on transcript NM_001807.6 (MANE Select); coding-DNA position 1054, A replaced by G.
Protein change: p.Ile352Val; replaces isoleucine 352 with valine.
Molecular consequence: missense variant.
Genome position (GRCh38, 1-based): chr9:133,068,830, A>G. VCF-style: chr9-133068830-A-G. GRCh37 (hg19) VCF-style: chr9-135944217-A-G.
Other names: short protein forms I352V.
Identifiers: ClinVar variation 3348281 (VCV003348281.1).
Genomic context (GRCh38, chr9:133,068,830, plus strand): 5'-TATATAGCAGGCACCAACAACATGGACGGCCACATCTTCGCCAGCATCGACATGCCTGCC[A>G]TCAACAAGGGCAACAAGAAAGTCACGGAGTAAGCAGGGGGCACAGGACTCAGGGGCGACC-3'
Protein context (NP_001798.3, residues 342-362): HIFASIDMPA[Ile352Val]NKGNKKVTEE